The following is an entry in ClinVar:

NM_000075.4(CDK4):c.632+7G>T

Gene: CDK4 (cyclin dependent kinase 4; minus strand). Cytogenetic location: 12q14.1.
Variant type: single nucleotide variant.
Coding change: c.632+7G>T on transcript NM_000075.4 (MANE Select); 7 bases into the intron after coding-DNA position 632, G replaced by T.
Molecular consequence: intron variant.
Genome position (GRCh38, 1-based): chr12:57,750,649, C>A on the plus strand (G>T on the coding strand, the complement: CDK4 is on the minus strand). VCF-style: chr12-57750649-C-A. GRCh37 (hg19) VCF-style: chr12-58144432-C-A.
Identifiers: ClinVar variation 1448029 (VCV001448029.6), dbSNP rs1955225535, ClinGen allele CA2573148919.
Genomic context (GRCh38, chr12:57,750,649, plus strand): 5'-ATGGATGTGGTTTATGAACAAGCGATTTGGGGAATTCAAGGTAGTCCAGGGTATGTGGGT[C>A]CCATACTTTCGACGAAACATCTCTGCAAAGATACAGCCAACACTCCACATGTCCACAGGT-3'

ClinVar aggregate classification (germline): Uncertain significance (1 of 4 stars; one submission).

Conditions:
Familial melanoma. Also called: Hereditary melanoma; Hereditary cutaneous melanoma. Identifiers: Orphanet 618, MedGen C1512419, MONDO:0018961.

Submission:

Labcorp Genetics (formerly Invitae), Labcorp
Classification: Uncertain significance for Familial melanoma. Last evaluated: 2021-10-23. Review status: criteria provided, single submitter. Criteria: Invitae Variant Classification Sherloc (09022015). Collection method: clinical testing. Allele origin: germline.
Comment: In summary, the available evidence is currently insufficient to determine the role of this variant in disease. Therefore, it has been classified as a Variant of Uncertain Significance. Algorithms developed to predict the effect of sequence changes on RNA splicing suggest that this variant may create or strengthen a splice site. This variant has not been reported in the literature in individuals affected with CDK4-related conditions. This variant is not present in population databases (ExAC no frequency). This sequence change falls in intron 5 of the CDK4 gene. It does not directly change the encoded amino acid sequence of the CDK4 protein.